The following is an entry in ClinVar:

ClinVar aggregate classification (germline): Likely benign (0 of 4 stars; one submission).

Conditions:
UFM1-related disorder. Also called: UFM1-related condition.

gnomAD v4.1: 6 of 1,614,104 alleles (0.00037%); highest among the groups gnomAD compares: African/African-American, 0.008%; no homozygotes.

Submission:

PreventionGenetics, part of Exact Sciences
Classification: Likely benign for UFM1-related condition. Last evaluated: 2019-06-12. Review status: no assertion criteria provided. Collection method: clinical testing. Allele origin: germline.
Comment: This variant is classified as likely benign based on ACMG/AMP sequence variant interpretation guidelines (Richards et al. 2015 PMID: 25741868, with internal and published modifications).

NM_016617.4(UFM1):c.50C>T (p.Pro17Leu)

Gene: UFM1 (ubiquitin fold modifier 1; plus strand). Cytogenetic location: 13q13.3.
Variant type: single nucleotide variant.
Coding change: c.50C>T on transcript NM_016617.4 (MANE Select); coding-DNA position 50, C replaced by T.
Protein change: p.Pro17Leu; replaces proline 17 with leucine.
Molecular consequence: missense variant. On other transcripts: 5 prime UTR variant (1), non-coding transcript variant (2).
Genome position (GRCh38, 1-based): chr13:38,350,046, C>T. VCF-style: chr13-38350046-C-T. GRCh37 (hg19) VCF-style: chr13-38924183-C-T.
Other names: c.50C>T, p.Pro17Leu (NM_001286703.2, NM_001286705.2, NM_001286706.2); c.-69C>T (NM_001286704.2); short protein forms P17L.
Identifiers: ClinVar variation 3034495 (VCV003034495.2), dbSNP rs750631146, ClinGen allele CA387996787.